The following is an entry in ClinVar:

ClinVar aggregate classification (germline): Uncertain significance (1 of 4 stars; one submission).

Conditions:
EAST syndrome (SESAMES). Also called: SEIZURES, SENSORINEURAL DEAFNESS, ATAXIA, IMPAIRED INTELLECTUAL DEVELOPMENT, AND ELECTROLYTE IMBALANCE. Identifiers: Orphanet 199343, MedGen C2748572, MONDO:0013005, OMIM 612780.

Submission:

Labcorp Genetics (formerly Invitae), Labcorp
Classification: Uncertain significance for EAST syndrome. Last evaluated: 2020-04-08. Review status: criteria provided, single submitter. Criteria: Invitae Variant Classification Sherloc (09022015). Collection method: clinical testing. Allele origin: germline.
Comment: In summary, the available evidence is currently insufficient to determine the role of this variant in disease. Therefore, it has been classified as a Variant of Uncertain Significance. Algorithms developed to predict the effect of missense changes on protein structure and function are either unavailable or do not agree on the potential impact of this missense change (SIFT: "Deleterious"; PolyPhen-2: "Probably Damaging"; Align-GVGD: "Class C0"). This variant has not been reported in the literature in individuals with KCNJ10-related conditions. This variant is not present in population databases (ExAC no frequency). This sequence change replaces threonine with asparagine at codon 12 of the KCNJ10 protein (p.Thr12Asn). The threonine residue is highly conserved and there is a small physicochemical difference between threonine and asparagine.

NM_002241.5(KCNJ10):c.35C>A (p.Thr12Asn)

Gene: KCNJ10 (potassium inwardly rectifying channel subfamily J member 10; minus strand). Cytogenetic location: 1q23.2.
Variant type: single nucleotide variant.
Coding change: c.35C>A on transcript NM_002241.5 (MANE Select); coding-DNA position 35, C replaced by A.
Protein change: p.Thr12Asn; replaces threonine 12 with asparagine.
Molecular consequence: missense variant.
Genome position (GRCh38, 1-based): chr1:160,042,498, G>T on the plus strand (C>A on the coding strand, the complement: KCNJ10 is on the minus strand). VCF-style: chr1-160042498-G-T. GRCh37 (hg19) VCF-style: chr1-160012288-G-T.
Other names: short protein forms T12N.
Identifiers: ClinVar variation 1061987 (VCV001061987.9), dbSNP rs2101925216, ClinGen allele CA343231016.
Genomic context (GRCh38, chr1:160,042,498, plus strand): 5'-GTCAGGACTCTCCGCCGTCGTATCCCTGGGCCCATTAGGGGCCGGCTTTCTGTCTGAGTG[G>T]TCTGACTGTAATACACCTTGGCAACTGACGTCATCTGGAGGGAGCAAGACAGCATAATGG-3'
Protein context (NP_002232.2, residues 2-22): TSVAKVYYSQ[Thr12Asn]TQTESRPLMG